The following is an entry in ClinVar:

ClinVar aggregate classification (germline): Uncertain significance (1 of 4 stars; one submission).

Submission:

CeGaT Center for Human Genetics Tuebingen
Classification: Uncertain significance. Last evaluated: 2022-07-01. Review status: criteria provided, single submitter. Criteria: CeGaT Center For Human Genetics Tuebingen Variant Classification Criteria Version 2. Collection method: clinical testing. Allele origin: germline. Affected: yes. Observed: 1 variant allele.
Comment: LMNA: PM2

NM_170707.4(LMNA):c.1516C>T (p.His506Tyr)

Gene: LMNA (lamin A/C; plus strand). Cytogenetic location: 1q22.
Variant type: single nucleotide variant.
Coding change: c.1516C>T on transcript NM_170707.4 (MANE Select); coding-DNA position 1516, C replaced by T.
Protein change: p.His506Tyr; replaces histidine 506 with tyrosine.
Molecular consequence: missense variant.
Genome position (GRCh38, 1-based): chr1:156,137,140, C>T. VCF-style: chr1-156137140-C-T. GRCh37 (hg19) VCF-style: chr1-156106931-C-T.
Other names: c.1516C>T, p.His506Tyr (NM_001282625.2, NM_001282626.2, NM_005572.4 and 1 more transcripts); c.1180C>T, p.His394Tyr (NM_001257374.3); c.1273C>T, p.His425Tyr (NM_001282624.2); short protein forms H394Y, H425Y, H506Y.
Identifiers: ClinVar variation 1701114 (VCV001701114.31), dbSNP rs267607565, ClinGen allele CA342823098.